The following is an entry in ClinVar:

ClinVar aggregate classification (germline): Uncertain significance (1 of 4 stars; one submission).

Allele frequency attached by ClinVar (database versions not stated): gnomAD exomes below 0.00001.
gnomAD v4.1: 2 of 1,614,200 alleles (0.00012%); highest among the groups gnomAD compares: Non-Finnish European, 0.00017%; no homozygotes.

Submission:

Labcorp Genetics (formerly Invitae), Labcorp
Classification: Uncertain significance. Last evaluated: 2022-04-15. Review status: criteria provided, single submitter. Criteria: Invitae Variant Classification Sherloc (09022015). Collection method: clinical testing. Allele origin: germline.
Comment: In summary, the available evidence is currently insufficient to determine the role of this variant in disease. Therefore, it has been classified as a Variant of Uncertain Significance. Algorithms developed to predict the effect of missense changes on protein structure and function (SIFT, PolyPhen-2, Align-GVGD) all suggest that this variant is likely to be tolerated. This variant has not been reported in the literature in individuals affected with LPL-related conditions. This variant is not present in population databases (gnomAD no frequency). This sequence change replaces asparagine, which is neutral and polar, with serine, which is neutral and polar, at codon 312 of the LPL protein (p.Asn312Ser).

NM_000237.3(LPL):c.935A>G (p.Asn312Ser)

Gene: LPL (lipoprotein lipase; plus strand). Cytogenetic location: 8p21.3.
Variant type: single nucleotide variant.
Coding change: c.935A>G on transcript NM_000237.3 (MANE Select); coding-DNA position 935, A replaced by G.
Protein change: p.Asn312Ser; replaces asparagine 312 with serine.
Molecular consequence: missense variant.
Genome position (GRCh38, 1-based): chr8:19,956,000, A>G. VCF-style: chr8-19956000-A-G. GRCh37 (hg19) VCF-style: chr8-19813511-A-G.
Other names: short protein forms N312S.
Identifiers: ClinVar variation 2126607 (VCV002126607.4), dbSNP rs2540107236, ClinGen allele CA370469282.